The following is an entry in ClinVar:

ClinVar aggregate classification (germline): Pathogenic (1 of 4 stars; one submission).

Conditions:
Juvenile polyposis syndrome (JPS). Identifiers: Orphanet 2929, MedGen C0345893, MONDO:0017380, OMIM 174900.

Submission:

Labcorp Genetics (formerly Invitae), Labcorp
Classification: Pathogenic for Juvenile polyposis syndrome. Last evaluated: 2021-10-21. Review status: criteria provided, single submitter. Criteria: Invitae Variant Classification Sherloc (09022015). Collection method: clinical testing. Allele origin: germline.
Comment: For these reasons, this variant has been classified as Pathogenic. This variant disrupts a region of the SMAD4 protein in which other variant(s) (p.Ala532Profs*5) have been determined to be pathogenic (PMID: 15031030). This suggests that this is a clinically significant region of the protein, and that variants that disrupt it are likely to be disease-causing. This variant has not been reported in the literature in individuals affected with SMAD4-related conditions. This variant is not present in population databases (ExAC no frequency). This sequence change creates a premature translational stop signal (p.Ala459Serfs*35) in the SMAD4 gene. While this is not anticipated to result in nonsense mediated decay, it is expected to disrupt the last 94 amino acid(s) of the SMAD4 protein.

Literature cited by the submitters: PubMed 15031030.

NM_005359.6(SMAD4):c.1373dup (p.Ala459fs)

Gene: SMAD4 (SMAD family member 4; plus strand). Cytogenetic location: 18q21.2.
Variant type: Duplication.
Coding change: c.1373dup on transcript NM_005359.6 (MANE Select); coding-DNA position 1373, one base duplicated (C; older notation c.1373dupC).
Protein change: p.Ala459fs; shifts the reading frame from alanine 459.
Molecular consequence: frameshift variant.
Genome position (GRCh38, 1-based): chr18:51,076,702, C duplicated. VCF-style (leftmost placement, unchanged base first): chr18-51076701-G-GC. GRCh37 (hg19) VCF-style: chr18-48603071-G-GC.
Other names: short protein forms A459fs.
Identifiers: ClinVar variation 1417860 (VCV001417860.6), dbSNP rs2144474088, ClinGen allele CA2573155352.